The following is an entry in ClinVar:

ClinVar aggregate classification (germline): Uncertain significance. Review status: criteria provided, multiple submitters, no conflicts (2 of 4 stars). 3 submissions from 3 submitters: Uncertain significance (3). Last evaluated 2025-08-06.

Conditions:
RP1L1-related disorder. Also called: RP1L1-related condition.
Inborn genetic diseases. Identifiers: MedGen C0950123, MeSH D030342.

gnomAD v4.1: 50 of 1,613,938 alleles (0.0031%); highest among the groups gnomAD compares: Non-Finnish European, 0.0041%; no homozygotes.

Submissions (3):

Ambry Genetics
Classification: Uncertain significance for Inborn genetic diseases. Last evaluated: 2025-08-06. Review status: criteria provided, single submitter. Criteria: Ambry Variant Classification Scheme 2023. Collection method: clinical testing. Allele origin: germline.

PreventionGenetics, part of Exact Sciences
Classification: Uncertain significance for RP1L1-related condition. Last evaluated: 2024-11-27. Review status: criteria provided, single submitter. Criteria: ACMG Guidelines, 2015. Collection method: clinical testing. Allele origin: germline.
Comment: The RP1L1 c.5239G>A variant is predicted to result in the amino acid substitution p.Glu1747Lys. To our knowledge, this variant has not been reported in the literature. This variant is reported in 0.0078% of alleles in individuals of European (Non-Finnish) descent in gnomAD. At this time, the clinical significance of this variant is uncertain due to the absence of conclusive functional and genetic evidence.

Blueprint Genetics
Classification: Uncertain significance. Last evaluated: 2024-09-02. Review status: criteria provided, single submitter. Criteria: ACMG Guidelines, 2015. Collection method: clinical testing. Allele origin: germline.

NM_178857.6(RP1L1):c.5239G>A (p.Glu1747Lys)

Gene: RP1L1 (RP1 like 1). Cytogenetic location: 8p23.1.
Variant type: single nucleotide variant.
Coding change: c.5239G>A on transcript NM_178857.6 (MANE Select); coding-DNA position 5239, G replaced by A.
Protein change: p.Glu1747Lys; replaces glutamic acid 1747 with lysine.
Molecular consequence: missense variant.
Genome position (GRCh38, 1-based): chr8:10,608,859, C>T on the plus strand (G>A on the coding strand, the complement: RP1L1 is on the minus strand). VCF-style: chr8-10608859-C-T. GRCh37 (hg19) VCF-style: chr8-10466369-C-T.
Other names: short protein forms E1747K.
Identifiers: ClinVar variation 4156225 (VCV004156225.3).